The following is an entry in ClinVar:

NM_000540.3(RYR1):c.613T>C (p.Cys205Arg)

Gene: RYR1 (ryanodine receptor 1; plus strand). Cytogenetic location: 19q13.2.
Variant type: single nucleotide variant.
Coding change: c.613T>C on transcript NM_000540.3 (MANE Select); coding-DNA position 613, T replaced by C.
Protein change: p.Cys205Arg; replaces cysteine 205 with arginine.
Molecular consequence: missense variant.
Genome position (GRCh38, 1-based): chr19:38,444,659, T>C. VCF-style: chr19-38444659-T-C. GRCh37 (hg19) VCF-style: chr19-38935299-T-C.
Other names: c.613T>C, p.Cys205Arg (NM_001042723.2); short protein forms C205R.
Identifiers: ClinVar variation 2889855 (VCV002889855.3), dbSNP rs749714066, ClinGen allele CA067821.

ClinVar aggregate classification (germline): Uncertain significance (1 of 4 stars; one submission).

Conditions:
RYR1-related disorder. Also called: RYR1-related condition; RYR1-related disorders. Identifiers: MedGen CN239331.

Allele frequency attached by ClinVar (database versions not stated): TOPMed below 0.00001; ExAC 0.00001.

Submission:

Labcorp Genetics (formerly Invitae), Labcorp
Classification: Uncertain significance for RYR1-related disorder. Last evaluated: 2023-09-22. Review status: criteria provided, single submitter. Criteria: Invitae Variant Classification Sherloc (09022015). Collection method: clinical testing. Allele origin: germline.
Comment: Advanced modeling of protein sequence and biophysical properties (such as structural, functional, and spatial information, amino acid conservation, physicochemical variation, residue mobility, and thermodynamic stability) has been performed at Invitae for this missense variant, however the output from this modeling did not meet the statistical confidence thresholds required to predict the impact of this variant on RYR1 protein function. This sequence change replaces cysteine, which is neutral and slightly polar, with arginine, which is basic and polar, at codon 205 of the RYR1 protein (p.Cys205Arg). This variant is not present in population databases (gnomAD no frequency). This variant has not been reported in the literature in individuals affected with RYR1-related conditions. In summary, the available evidence is currently insufficient to determine the role of this variant in disease. Therefore, it has been classified as a Variant of Uncertain Significance.